The following is an entry in ClinVar:

ClinVar aggregate classification (germline): Conflicting classifications of pathogenicity. Review status: criteria provided, conflicting classifications (1 of 4 stars). 3 submissions from 3 submitters: Likely pathogenic (2); Uncertain significance (1). Last evaluated 2026-05-30.

Conditions:
Neurofibromatosis, type 1 (NF1). Also called: VON RECKLINGHAUSEN DISEASE; NEUROFIBROMATOSIS, TYPE I, SOMATIC; Neurofibromatosis, type I; Peripheral type neurofibromatosis. Identifiers: Orphanet 636, MedGen C0027831, MONDO:0018975, OMIM 162200. Disease mechanism: loss of function.

Submissions (3):

NHS Central & South Genomic Laboratory Hub
Classification: Likely pathogenic for Neurofibromatosis type 1. Last evaluated: 2026-05-30. Review status: criteria provided, single submitter. Criteria: ACMG Guidelines, 2015. Collection method: clinical testing. Allele origin: germline. Affected: yes.

Labcorp Genetics (formerly Invitae), Labcorp
Classification: Likely pathogenic for Neurofibromatosis, type 1. Last evaluated: 2022-09-24. Review status: criteria provided, single submitter. Criteria: Invitae Variant Classification Sherloc (09022015). Collection method: clinical testing. Allele origin: germline.
Comment: This sequence change replaces alanine, which is neutral and non-polar, with proline, which is neutral and non-polar, at codon 1575 of the NF1 protein (p.Ala1575Pro). This variant is not present in population databases (gnomAD no frequency). This missense change has been observed in individual(s) with clinical features of neurofibromatosis type 1 (PMID: 31573083; Invitae). ClinVar contains an entry for this variant (Variation ID: 1066896). Advanced modeling of protein sequence and biophysical properties (such as structural, functional, and spatial information, amino acid conservation, physicochemical variation, residue mobility, and thermodynamic stability) performed at Invitae indicates that this missense variant is expected to disrupt NF1 protein function. In summary, the currently available evidence indicates that the variant is pathogenic, but additional data are needed to prove that conclusively. Therefore, this variant has been classified as Likely Pathogenic.

3billion
Classification: Uncertain significance for Neurofibromatosis, type 1. Last evaluated: 2022-03-22. Review status: criteria provided, single submitter. Criteria: ACMG Guidelines, 2015. Collection method: clinical testing. Allele origin: germline. Affected: yes. Observed: 1 heterozygote.
Comment: Same nucleotide change resulting in same amino acid change has been previously reported to be associated with NF1 related disorder (ClinVar ID: VCV001066896). In silico tool predictions suggest damaging effect of the variant on gene or gene product (3CNET: 0.918>=0.75). It is not observed in the gnomAD v2.1.1 dataset. Therefore, this variant is classified as uncertain significance according to the recommendation of ACMG/AMP guideline.

Literature cited by the submitters: PubMed 31573083 (cited by Labcorp Genetics (formerly Invitae), Labcorp).

NM_001042492.3(NF1):c.4786G>C (p.Ala1596Pro)

Gene: NF1 (neurofibromin 1; plus strand). Cytogenetic location: 17q11.2.
Variant type: single nucleotide variant.
Coding change: c.4786G>C on transcript NM_001042492.3 (MANE Select); coding-DNA position 4786, G replaced by C.
Protein change: p.Ala1596Pro; replaces alanine 1596 with proline.
Molecular consequence: missense variant.
Genome position (GRCh38, 1-based): chr17:31,265,290, G>C. VCF-style: chr17-31265290-G-C. GRCh37 (hg19) VCF-style: chr17-29592308-G-C.
Other names: c.4723G>C, p.Ala1575Pro (NM_000267.4); short protein forms A1575P, A1596P.
Identifiers: ClinVar variation 1066896 (VCV001066896.7), dbSNP rs2151470213, ClinGen allele CA399001290.
Genomic context (GRCh38, chr17:31,265,290, plus strand): 5'-CATCAGGTACATGAAAAAGAAGAATTCAAGGCTTTGAAAACGTTAAGTATTTTCTACCAA[G>C]CTGGGACTTCCAAAGCTGGGAATCCTATTTTTTATTATGTTGCACGGAGGTAAGAAATAC-3'
Protein context (NP_001035957.1, residues 1586-1606): ALKTLSIFYQ[Ala1596Pro]GTSKAGNPIF